The following is an entry in ClinVar:

NM_000059.4(BRCA2):c.4013_4014del (p.Gly1338fs)

Gene: BRCA2 (BRCA2 DNA repair associated; plus strand). Cytogenetic location: 13q13.1.
Variant type: Deletion.
Coding change: c.4013_4014del on transcript NM_000059.4 (MANE Select); coding-DNA positions 4013 to 4014, 2 bases deleted (GC; older notation c.4013_4014delGC).
Protein change: p.Gly1338fs; shifts the reading frame from glycine 1338.
Molecular consequence: frameshift variant.
Genome position (GRCh38, 1-based): chr13:32,338,368-32,338,369, GC deleted. VCF-style (leftmost placement, unchanged base first): chr13-32338367-GGC-G. GRCh37 (hg19) VCF-style: chr13-32912504-GGC-G.
Other names: c.4013_4014delGC (NM_000059.3); short protein forms G1338fs.
Identifiers: ClinVar variation 483072 (VCV000483072.6), dbSNP rs1555283504, ClinGen allele CA658656332.

ClinVar aggregate classification (germline): Pathogenic (1 of 4 stars; one submission).

Conditions:
Hereditary cancer-predisposing syndrome. Also called: Neoplastic Syndromes, Hereditary; Tumor predisposition; Hereditary Cancer Syndrome; Hereditary neoplastic syndrome. Identifiers: Orphanet 140162, MedGen C0027672, MeSH D009386, MONDO:0015356.

Submission:

Ambry Genetics
Classification: Pathogenic for Hereditary cancer-predisposing syndrome. Last evaluated: 2024-10-31. Review status: criteria provided, single submitter. Criteria: Ambry Variant Classification Scheme 2023. Collection method: clinical testing. Allele origin: germline.
Comment: The c.4013_4014delGC pathogenic mutation, located in coding exon 10 of the BRCA2 gene, results from a deletion of two nucleotides at nucleotide positions 4013 to 4014, causing a translational frameshift with a predicted alternate stop codon (p.G1338Efs*2). This variant is considered to be rare based on population cohorts in the Genome Aggregation Database (gnomAD). This alteration is expected to result in loss of function by premature protein truncation or nonsense-mediated mRNA decay. As such, this alteration is interpreted as a disease-causing mutation.